The following is an entry in ClinVar:

NC_000008.10:g.(?_42958692)_(43016670_?)dup

Genes: HGSNAT (heparan-alpha-glucosaminide N-acetyltransferase; plus strand), POMK (protein O-mannose kinase; plus strand). Cytogenetic location: 8p11.21.
Variant type: Duplication.
Identifiers: ClinVar variation 2427380 (VCV002427380.4).

ClinVar aggregate classification (germline): Uncertain significance (1 of 4 stars; one submission).

Conditions:
Retinitis pigmentosa 73 (RP73). Identifiers: Orphanet 791, MedGen C4225287, MONDO:0014687, OMIM 616544.
Mucopolysaccharidosis, MPS-III-C (MPS3C). Also called: SANFILIPPO SYNDROME C; MPS IIIC (Sanfilippo Syndrome Type C); MPS III C; Mucopolysaccharidosis type IIIC (Sanfilippo C); MUCOPOLYSACCHARIDOSIS, TYPE IIIC; mucopolysaccharidosis type 3C. Identifiers: Orphanet 581, Orphanet 79271, MedGen C0086649, MONDO:0009657, OMIM 252930.

Submission:

Labcorp Genetics (formerly Invitae), Labcorp
Classification: Uncertain significance for Retinitis pigmentosa 73; Mucopolysaccharidosis, MPS-III-C. Last evaluated: 2022-08-08. Review status: criteria provided, single submitter. Criteria: Invitae Variant Classification Sherloc (09022015). Collection method: clinical testing. Allele origin: germline.
Comment: In summary, the available evidence is currently insufficient to determine the role of this variant in disease. Therefore, it has been classified as a Variant of Uncertain Significance. This variant has not been reported in the literature in individuals affected with HGSNAT-related conditions. This variant results in a copy number gain of the genomic region encompassing exon(s) 1-5 of the HGSNAT gene. This region includes the initiator codon of the gene. This copy number gain extends beyond the assayed region for this gene and therefore may encompass additional genes. As the precise location of this event is unknown, it may be in tandem or it may be located elsewhere in the genome.